The following is an entry in ClinVar:

NM_024334.3(TMEM43):c.475A>G (p.Lys159Glu)

Gene: TMEM43 (transmembrane protein 43; plus strand). Cytogenetic location: 3p25.1.
Variant type: single nucleotide variant.
Coding change: c.475A>G on transcript NM_024334.3 (MANE Select); coding-DNA position 475, A replaced by G.
Protein change: p.Lys159Glu; replaces lysine 159 with glutamic acid.
Molecular consequence: missense variant.
Genome position (GRCh38, 1-based): chr3:14,132,898, A>G. VCF-style: chr3-14132898-A-G. GRCh37 (hg19) VCF-style: chr3-14174398-A-G.
Other names: short protein forms K159E.
Identifiers: ClinVar variation 946653 (VCV000946653.14), dbSNP rs1269566290, ClinGen allele CA351535170.

ClinVar aggregate classification (germline): Conflicting classifications of pathogenicity. Review status: criteria provided, conflicting classifications (1 of 4 stars). 4 submissions from 4 submitters: Uncertain significance (3); Likely benign (1). Last evaluated 2026-04-30.

Conditions:
Cardiovascular phenotype. Identifiers: MedGen CN230736.
Cardiomyopathy (CMYO). Also called: Cardiomyopathies. Identifiers: Orphanet 167848, MedGen C0878544, MONDO:0004994, HP:0001638. Inheritance: Various modes of inheritance.
Arrhythmogenic right ventricular dysplasia 5. Also called: Arrhythmogenic Right Ventricular Dysplasia/Cardiomyopathy 5; ARRHYTHMOGENIC RIGHT VENTRICULAR DYSPLASIA, FAMILIAL, 5. Identifiers: MedGen C1858379, MONDO:0011459, OMIM 604400.

Allele frequency attached by ClinVar (database versions not stated): gnomAD exomes below 0.00001; gnomAD 0.00002; TOPMed 0.00002.
gnomAD v4.1: 7 of 1,613,904 alleles (0.00043%); highest among the groups gnomAD compares: Admixed American, 0.0067%; no homozygotes.

Submissions (4):

Ambry Genetics
Classification: Likely benign for Cardiovascular phenotype. Last evaluated: 2026-04-30. Review status: criteria provided, single submitter. Criteria: Ambry Variant Classification Scheme 2023. Collection method: clinical testing. Allele origin: germline.

Labcorp Genetics (formerly Invitae), Labcorp
Classification: Uncertain significance for Arrhythmogenic right ventricular dysplasia 5. Last evaluated: 2024-03-16. Review status: criteria provided, single submitter. Criteria: Invitae Variant Classification Sherloc (09022015). Collection method: clinical testing. Allele origin: germline.
Comment: This sequence change replaces lysine, which is basic and polar, with glutamic acid, which is acidic and polar, at codon 159 of the TMEM43 protein (p.Lys159Glu). This variant is present in population databases (no rsID available, gnomAD 0.003%). This variant has not been reported in the literature in individuals affected with TMEM43-related conditions. ClinVar contains an entry for this variant (Variation ID: 946653). Advanced modeling of protein sequence and biophysical properties (such as structural, functional, and spatial information, amino acid conservation, physicochemical variation, residue mobility, and thermodynamic stability) performed at Invitae indicates that this missense variant is not expected to disrupt TMEM43 protein function with a negative predictive value of 80%. In summary, the available evidence is currently insufficient to determine the role of this variant in disease. Therefore, it has been classified as a Variant of Uncertain Significance.

Color Diagnostics, LLC DBA Color Health
Classification: Uncertain significance for Cardiomyopathy. Last evaluated: 2024-03-06. Review status: criteria provided, single submitter. Criteria: ACMG Guidelines, 2015. Collection method: clinical testing. Allele origin: germline.
Comment: This missense variant replaces lysine with glutamic acid at codon 159 of the TMEM43 protein. Computational prediction suggests that this variant may not impact protein structure and function (internally defined REVEL score threshold <= 0.5, PMID: 27666373). To our knowledge, functional studies have not been reported for this variant. This variant has not been reported in individuals affected with cardiovascular disorders in the literature. This variant has been identified in 2/282838 chromosomes in the general population by the Genome Aggregation Database (gnomAD). The available evidence is insufficient to determine the role of this variant in disease conclusively. Therefore, this variant is classified as a Variant of Uncertain Significance.

All of Us Research Program, National Institutes of Health
Classification: Uncertain significance for Arrhythmogenic right ventricular dysplasia 5. Last evaluated: 2023-06-08. Review status: criteria provided, single submitter. Criteria: ACMG Guidelines, 2015. Collection method: clinical testing. Allele origin: germline. Inheritance: Autosomal dominant inheritance. Observed: 3 variant alleles, 3 heterozygotes.
Comment: This missense variant replaces lysine with glutamic acid at codon 159 of the TMEM43 protein. Computational prediction suggests that this variant may not impact protein structure and function (internally defined REVEL score threshold <= 0.5, PMID: 27666373). To our knowledge, functional studies have not been reported for this variant. This variant has not been reported in individuals affected with cardiovascular disorders in the literature. This variant has been identified in 2/282838 chromosomes in the general population by the Genome Aggregation Database (gnomAD). The available evidence is insufficient to determine the role of this variant in disease conclusively. Therefore, this variant is classified as a Variant of Uncertain Significance.

This study involves interpretation of variants in research participants for the purpose of population health screening. Participant phenotype was not available at the time of variant classification. Additional details can be found in publication PMID: 35346344, PMCID: PMC8962531